The following is an entry in ClinVar:

NM_017763.6(RNF43):c.850-12C>T

Gene: RNF43 (ring finger protein 43; minus strand). Cytogenetic location: 17q22.
Variant type: single nucleotide variant.
Coding change: c.850-12C>T on transcript NM_017763.6 (MANE Select); 12 bases into the intron before coding-DNA position 850, C replaced by T.
Molecular consequence: intron variant.
Genome position (GRCh38, 1-based): chr17:58,360,263, G>A on the plus strand (C>T on the coding strand, the complement: RNF43 is on the minus strand). VCF-style: chr17-58360263-G-A. GRCh37 (hg19) VCF-style: chr17-56437624-G-A.
Other names: c.850-12C>T (NM_001438822.1, NM_001305544.3, NM_001438820.1 and 1 more transcripts); c.469-12C>T (NM_001305545.2, NM_001437987.1).
Identifiers: ClinVar variation 1540425 (VCV001540425.9), dbSNP rs1210269700, ClinGen allele CA773537723.

ClinVar aggregate classification (germline): Likely benign. Review status: criteria provided, multiple submitters, no conflicts (2 of 4 stars). 2 submissions from 2 submitters: Likely benign (2). Last evaluated 2026-06-26.

Conditions:
Sessile serrated polyposis cancer syndrome (SSPCS). Identifiers: Orphanet 157798, MedGen C4310714, MONDO:0014919, OMIM 617108.

Allele frequency attached by ClinVar (database versions not stated): TOPMed 0.00001.
gnomAD v4.1: 1 of 1,607,852 alleles (0.000062%); highest among the groups gnomAD compares: Non-Finnish European, 0.000085%; no homozygotes.

Submissions (2):

Myriad Genetics, Inc.
Classification: Likely benign for Sessile serrated polyposis cancer syndrome. Last evaluated: 2026-06-26. Review status: criteria provided, single submitter. Criteria: Myriad Autosomal Dominant, Autosomal Recessive and X-Linked Classification Criteria (2023). Collection method: clinical testing. Allele origin: unknown.
Comment: This variant is considered likely benign. This variant is intronic and is not expected to impact mRNA splicing.

Labcorp Genetics (formerly Invitae), Labcorp
Classification: Likely benign. Last evaluated: 2025-01-06. Review status: criteria provided, single submitter. Criteria: Invitae Variant Classification Sherloc (09022015). Collection method: clinical testing. Allele origin: germline.